The following is an entry in ClinVar:

NM_002351.5(SH2D1A):c.102C>A (p.Ser34Arg)

Gene: SH2D1A (SH2 domain containing 1A; plus strand). Cytogenetic location: Xq25.
Variant type: single nucleotide variant.
Coding change: c.102C>A on transcript NM_002351.5 (MANE Select); coding-DNA position 102, C replaced by A.
Protein change: p.Ser34Arg; replaces serine 34 with arginine.
Molecular consequence: missense variant.
Genome position (GRCh38, 1-based): chrX:124,346,744, C>A. VCF-style: chrX-124346744-C-A. GRCh37 (hg19) VCF-style: chrX-123480594-C-A.
Other names: c.102C>A, p.Ser34Arg (NM_001114937.3); short protein forms S34R.
Identifiers: ClinVar variation 2138714 (VCV002138714.7), dbSNP rs1484311033, ClinGen allele CA414122383.
Genomic context (GRCh38, chrX:124,346,744, plus strand): 5'-AACCGGCGAGAAGCTCCTGCTTGCCACTGGGCTGGATGGCAGCTATTTGCTGAGGGACAG[C>A]GAGAGCGTGCCAGGCGTGTACTGCCTATGTGTGCTGTGAGTATGATACGGTGGACATGGG-3'
Protein context (NP_002342.1, residues 24-44): GLDGSYLLRD[Ser34Arg]ESVPGVYCLC

ClinVar aggregate classification (germline): Conflicting classifications of pathogenicity. Review status: criteria provided, conflicting classifications (1 of 4 stars). 3 submissions from 3 submitters: Likely pathogenic (1); Uncertain significance (2). Last evaluated 2026-05-01.

Conditions:
X-linked lymphoproliferative disease due to SH2D1A deficiency (XLP1). Also called: PURTILO SYNDROME; SH2D1A-Related Lymphoproliferative Disease, X-Linked; EBV infection severe susceptibility to; Epstein Barr virus infection familial fatal; Duncan's syndrome; DUNCAN DISEASE. Identifiers: Orphanet 2442, Orphanet 538931, MedGen C5399825, MONDO:0024551, OMIM 308240.

Submissions (3):

CeGaT Center for Human Genetics Tuebingen
Classification: Uncertain significance. Last evaluated: 2026-05-01. Review status: criteria provided, single submitter. Criteria: CeGaT Center For Human Genetics Tuebingen Variant Classification Criteria Version 2. Collection method: clinical testing. Allele origin: germline. Affected: yes. Observed: 1 variant allele.
Comment: SH2D1A: PM2, PP4, PS4:Supporting

GeneDx
Classification: Likely pathogenic. Last evaluated: 2023-06-23. Review status: criteria provided, single submitter. Criteria: GeneDx Variant Classification Process June 2021. Collection method: clinical testing. Allele origin: germline. Affected: yes.
Comment: Not observed at significant frequency in large population cohorts (gnomAD); In silico analysis supports that this missense variant has a deleterious effect on protein structure/function; This variant is associated with the following publications: (PMID: 20660790, 15632210)

Labcorp Genetics (formerly Invitae), Labcorp
Classification: Uncertain significance for X-linked lymphoproliferative disease due to SH2D1A deficiency. Last evaluated: 2022-02-19. Review status: criteria provided, single submitter. Criteria: Invitae Variant Classification Sherloc (09022015). Collection method: clinical testing. Allele origin: germline.
Comment: This sequence change replaces serine, which is neutral and polar, with arginine, which is basic and polar, at codon 34 of the SH2D1A protein (p.Ser34Arg). This variant is not present in population databases (gnomAD no frequency). This missense change has been observed in individual(s) with X-linked lymphoproliferative disease (PMID: 15632210). Algorithms developed to predict the effect of missense changes on protein structure and function (SIFT, PolyPhen-2, Align-GVGD) all suggest that this variant is likely to be disruptive. This variant disrupts the p.Ser34 amino acid residue in SH2D1A. Other variant(s) that disrupt this residue have been observed in individuals with SH2D1A-related conditions (PMID: 12356686, 15632210), which suggests that this may be a clinically significant amino acid residue. In summary, the available evidence is currently insufficient to determine the role of this variant in disease. Therefore, it has been classified as a Variant of Uncertain Significance.

Literature cited by the submitters: PubMed 15632210 (cited by Labcorp Genetics (formerly Invitae), Labcorp); PubMed 12356686 (cited by Labcorp Genetics (formerly Invitae), Labcorp).